The following is an entry in ClinVar:

NM_000489.6(ATRX):c.5787-20G>T

Gene: ATRX (ATRX chromatin remodeler; minus strand). Cytogenetic location: Xq21.1.
Variant type: single nucleotide variant.
Coding change: c.5787-20G>T on transcript NM_000489.6 (MANE Select); 20 bases into the intron before coding-DNA position 5787, G replaced by T.
Molecular consequence: intron variant.
Genome position (GRCh38, 1-based): chrX:77,599,600, C>A on the plus strand (G>T on the coding strand, the complement: ATRX is on the minus strand). VCF-style: chrX-77599600-C-A. GRCh37 (hg19) VCF-style: chrX-76855069-C-A.
Other names: c.5673-20G>T (NM_138270.5).
Identifiers: ClinVar variation 93143 (VCV000093143.18), dbSNP rs185359850, ClinGen allele CA220999.
Genomic context (GRCh38, chrX:77,599,600, plus strand): 5'-AGCTACTATCTTTTTTCCCCTTTTTCCCTTTTTTCTTCTTTCTAAAAACAAACAAACAAA[C>A]AAACAAAAAAACACATTCAGATTGTTAGAAAAGCATAGGAAAGATGTAAACGTCAATTAT-3'

ClinVar aggregate classification (germline): Conflicting classifications of pathogenicity. Review status: criteria provided, conflicting classifications (1 of 4 stars). 5 submissions from 5 submitters: Uncertain significance (1); Benign (3); Likely benign (1). Last evaluated 2026-01-18.

Conditions:
Alpha thalassemia-X-linked intellectual disability syndrome (ATRX). Also called: ALPHA-THALASSEMIA/MENTAL RETARDATION SYNDROME, X-LINKED; ATR-X syndrome; Alpha thalassemia mental retardation syndrome, nondeletion type, X-linked; XLMR hypotonic face syndrome; ATR, NONDELETION TYPE; X-linked alpha-thalassemia-mental retardation syndrome. Identifiers: Orphanet 847, MedGen C1845055, MONDO:0010519, OMIM 301040.

Allele frequency attached by ClinVar (database versions not stated): gnomAD exomes 0.00009 and 0.00029; ExAC 0.00028; gnomAD 0.00090; ESP Exome Variant Server 0.00095; 1000 Genomes Project 0.00318.
gnomAD v4.1: 199 of 1,203,658 alleles (0.017%); highest among the groups gnomAD compares: African/African-American, 0.28%; no homozygotes.

Submissions (5):

Labcorp Genetics (formerly Invitae), Labcorp
Classification: Benign for Alpha thalassemia-X-linked intellectual disability syndrome. Last evaluated: 2026-01-18. Review status: criteria provided, single submitter. Criteria: Invitae Variant Classification Sherloc (09022015). Collection method: clinical testing. Allele origin: germline.

Blueprint Genetics
Classification: Likely benign. Last evaluated: 2024-01-15. Review status: criteria provided, single submitter. Criteria: ACMG Guidelines, 2015. Collection method: clinical testing. Allele origin: germline.

GeneDx
Classification: Benign. Last evaluated: 2020-03-25. Review status: criteria provided, single submitter. Criteria: GeneDx Variant Classification Process June 2021. Collection method: clinical testing. Allele origin: germline. Affected: yes.

Laboratorio de Genetica e Diagnostico Molecular, Hospital Israelita Albert Einstein
Classification: Benign. Last evaluated: 2020-02-19. Review status: criteria provided, single submitter. Criteria: ACMG Guidelines, 2015. Collection method: clinical testing. Allele origin: germline. Affected: yes.
Comment: ACMG classification criteria: BS1, BS2, BP4

Eurofins Ntd Llc (ga)
Classification: Uncertain significance. Last evaluated: 2013-02-25. Review status: criteria provided, single submitter. Criteria: EGL Classification Definitions 2015. Collection method: clinical testing. Allele origin: germline. Observed: 1 variant allele, 1 heterozygote.